The following is an entry in ClinVar:

NM_002016.2(FLG):c.7708G>A (p.Asp2570Asn)

Genes: CCDST (cervical cancer associated DHX9 suppressive transcript; plus strand), FLG (filaggrin; minus strand). Cytogenetic location: 1q21.3.
Variant type: single nucleotide variant.
Coding change: c.7708G>A on transcript NM_002016.2 (MANE Select); coding-DNA position 7708, G replaced by A.
Protein change: p.Asp2570Asn; replaces aspartic acid 2570 with asparagine.
Molecular consequence: missense variant.
Genome position (GRCh38, 1-based): chr1:152,307,178, C>T on the plus strand (G>A on the coding strand, the complement: FLG is on the minus strand). VCF-style: chr1-152307178-C-T. GRCh37 (hg19) VCF-style: chr1-152279654-C-T.
Other names: short protein forms D2570N.
Identifiers: ClinVar variation 5021894 (VCV005021894.1).
Genomic context (GRCh38, chr1:152,307,178, plus strand): 5'-TTCTGGAAGCAGACCCAGACCACCTCTCAGAGTCTTCTGAGTGTCCCTGACTGTCACTGT[C>T]CTGGCTAAAACTGGATCCCCAGTTCCTGCTTGTCCTGGGCCCCTCTGATTGTCCCTGGCC-3'
Protein context (NP_002007.1, residues 2560-2580): SRNWGSSFSQ[Asp2570Asn]SDSQGHSEDS

ClinVar aggregate classification (germline): Uncertain significance (1 of 4 stars; one submission).

Conditions:
Inborn genetic diseases. Identifiers: MedGen C0950123, MeSH D030342.

gnomAD v4.1: 10 of 1,612,742 alleles (0.00062%); highest among the groups gnomAD compares: African/African-American, 0.011%; no homozygotes.

Submission:

Ambry Genetics
Classification: Uncertain significance for Inborn genetic diseases. Last evaluated: 2026-07-03. Review status: criteria provided, single submitter. Criteria: Ambry Variant Classification Scheme 2023. Collection method: clinical testing. Allele origin: germline.
Comment: The c.7708G>A (p.D2570N) alteration is located in exon 3 (coding exon 2) of the FLG gene. This alteration results from a G to A substitution at nucleotide position 7708, causing the aspartic acid (D) at amino acid position 2570 to be replaced by an asparagine (N). Based on data from gnomAD, the A allele has an overall frequency of 0.001% (3/282552) total alleles studied. The highest observed frequency was 0.012% (3/24672) of African alleles. Based on insufficient or conflicting evidence, the clinical significance of this alteration remains unclear.